The following is an entry in ClinVar:

ClinVar aggregate classification (germline): Uncertain significance (1 of 4 stars; one submission).

Submission:

GeneDx
Classification: Uncertain significance. Last evaluated: 2024-05-29. Review status: criteria provided, single submitter. Criteria: GeneDx Variant Classification Process June 2021. Collection method: clinical testing. Allele origin: germline. Affected: yes.
Comment: Not observed at significant frequency in large population cohorts (gnomAD); In silico analysis supports that this missense variant has a deleterious effect on protein structure/function; Has not been previously published as pathogenic or benign to our knowledge

NM_001372044.2(SHANK3):c.4286A>G (p.Asp1429Gly)

Gene: SHANK3 (SH3 and multiple ankyrin repeat domains 3; plus strand). Cytogenetic location: 22q13.33.
Variant type: single nucleotide variant.
Coding change: c.4286A>G on transcript NM_001372044.2 (MANE Select); coding-DNA position 4286, A replaced by G.
Protein change: p.Asp1429Gly; replaces aspartic acid 1429 with glycine.
Molecular consequence: missense variant.
Genome position (GRCh38, 1-based): chr22:50,721,894, A>G. VCF-style: chr22-50721894-A-G. GRCh37 (hg19) VCF-style: chr22-51160322-A-G.
Other names: c.4061A>G (NM_033517.1); short protein forms D1429G.
Identifiers: ClinVar variation 3383797 (VCV003383797.1).